The following is an entry in ClinVar:

ClinVar aggregate classification (germline): Uncertain significance (1 of 4 stars; one submission).

Allele frequency attached by ClinVar (database versions not stated): ExAC 0.00001.
gnomAD v4.1: 3 of 1,614,100 alleles (0.00019%); highest among the groups gnomAD compares: Admixed American, 0.0033%; no homozygotes.

Submission:

Labcorp Genetics (formerly Invitae), Labcorp
Classification: Uncertain significance. Last evaluated: 2022-08-05. Review status: criteria provided, single submitter. Criteria: Invitae Variant Classification Sherloc (09022015). Collection method: clinical testing. Allele origin: germline.
Comment: This variant is present in population databases (rs562590492, gnomAD 0.006%). In summary, the available evidence is currently insufficient to determine the role of this variant in disease. Therefore, it has been classified as a Variant of Uncertain Significance. Algorithms developed to predict the effect of missense changes on protein structure and function are either unavailable or do not agree on the potential impact of this missense change (SIFT: "Deleterious"; PolyPhen-2: "Benign"; Align-GVGD: "Class C0"). This variant has not been reported in the literature in individuals affected with HMCN1-related conditions. This sequence change replaces histidine, which is basic and polar, with arginine, which is basic and polar, at codon 4700 of the HMCN1 protein (p.His4700Arg).

NM_031935.3(HMCN1):c.14099A>G (p.His4700Arg)

Gene: HMCN1 (hemicentin 1; plus strand). Cytogenetic location: 1q31.1.
Variant type: single nucleotide variant.
Coding change: c.14099A>G on transcript NM_031935.3 (MANE Select); coding-DNA position 14099, A replaced by G.
Protein change: p.His4700Arg; replaces histidine 4700 with arginine.
Molecular consequence: missense variant.
Genome position (GRCh38, 1-based): chr1:186,144,536, A>G. VCF-style: chr1-186144536-A-G. GRCh37 (hg19) VCF-style: chr1-186113668-A-G.
Other names: short protein forms H4700R.
Identifiers: ClinVar variation 1918308 (VCV001918308.5), dbSNP rs562590492, ClinGen allele CA1294863.
Genomic context (GRCh38, chr1:186,144,536, plus strand): 5'-TGTAACACGATGGTTCCTAGGTAGTAAGAAAGCATGTACCTTTTTCCCTTATTCCAGTTC[A>G]TGGCAAGTGGGCGACTTGGGCCAGTTGGAGTGCCTGTTCTGTGTCATGTGGAGGAGGTGC-3'
Protein context (NP_114141.2, residues 4690-4710): QVCNERNCPI[His4700Arg]GKWATWASWS